The following is an entry in ClinVar:

ClinVar aggregate classification (germline): Uncertain significance. Review status: criteria provided, multiple submitters, no conflicts (2 of 4 stars). 2 submissions from 2 submitters: Uncertain significance (2). Last evaluated 2022-08-07.

Conditions:
Muscular dystrophy-dystroglycanopathy type B6 (MDDGB6). Also called: MUSCULAR DYSTROPHY-DYSTROGLYCANOPATHY (CONGENITAL WITH IMPAIRED INTELLECTUAL DEVELOPMENT), TYPE B, 6; MUSCULAR DYSTROPHY, CONGENITAL, LARGE-RELATED; MUSCULAR DYSTROPHY, CONGENITAL, TYPE 1D. Identifiers: MedGen C1837229, MONDO:0012138, OMIM 608840.

gnomAD v4.1: 7 of 1,604,222 alleles (0.00044%); highest among the groups gnomAD compares: Non-Finnish European, 0.00051%; no homozygotes.

Submissions (2):

Labcorp Genetics (formerly Invitae), Labcorp
Classification: Uncertain significance for Muscular dystrophy-dystroglycanopathy type B6. Last evaluated: 2022-08-07. Review status: criteria provided, single submitter. Criteria: Invitae Variant Classification Sherloc (09022015). Collection method: clinical testing. Allele origin: germline.
Comment: This sequence change replaces threonine, which is neutral and polar, with lysine, which is basic and polar, at codon 55 of the LARGE1 protein (p.Thr55Lys). The frequency data for this variant in the population databases is considered unreliable, as metrics indicate poor data quality at this position in the gnomAD database. This variant has not been reported in the literature in individuals affected with LARGE1-related conditions. Algorithms developed to predict the effect of missense changes on protein structure and function (SIFT, PolyPhen-2, Align-GVGD) all suggest that this variant is likely to be tolerated. In summary, the available evidence is currently insufficient to determine the role of this variant in disease. Therefore, it has been classified as a Variant of Uncertain Significance.

Revvity Omics, Revvity
Classification: Uncertain significance. Last evaluated: 2019-07-18. Review status: criteria provided, single submitter. Criteria: ACMG Guidelines, 2015. Collection method: clinical testing. Allele origin: germline.

NM_133642.5(LARGE1):c.164C>A (p.Thr55Lys)

Gene: LARGE1 (LARGE xylosyl- and glucuronyltransferase 1; minus strand). Cytogenetic location: 22q12.3.
Variant type: single nucleotide variant.
Coding change: c.164C>A on transcript NM_133642.5 (MANE Select); coding-DNA position 164, C replaced by A.
Protein change: p.Thr55Lys; replaces threonine 55 with lysine.
Molecular consequence: missense variant.
Genome position (GRCh38, 1-based): chr22:33,650,611, G>T on the plus strand (C>A on the coding strand, the complement: LARGE1 is on the minus strand). VCF-style: chr22-33650611-G-T. GRCh37 (hg19) VCF-style: chr22-34046597-G-T.
Other names: c.164C>A, p.Thr55Lys (NM_001378627.1, NM_001378628.1, NM_001378629.1 and 7 more transcripts); c.164C>A (NM_004737.4); short protein forms T55K.
Identifiers: ClinVar variation 2028087 (VCV002028087.4), dbSNP rs766363552, ClinGen allele CA10203141.